The following is an entry in ClinVar:

NM_000245.4(MET):c.1890G>A (p.Met630Ile)

Gene: MET (MET proto-oncogene, receptor tyrosine kinase; plus strand). Cytogenetic location: 7q31.2.
Variant type: single nucleotide variant.
Coding change: c.1890G>A on transcript NM_000245.4 (MANE Select); coding-DNA position 1890, G replaced by A.
Protein change: p.Met630Ile; replaces methionine 630 with isoleucine.
Molecular consequence: missense variant.
Genome position (GRCh38, 1-based): chr7:116,757,464, G>A. VCF-style: chr7-116757464-G-A. GRCh37 (hg19) VCF-style: chr7-116397518-G-A.
Other names: c.1890G>A, p.Met630Ile (NM_001127500.3, NM_001324401.3); c.600G>A, p.Met200Ile (NM_001324402.2); short protein forms M630I, M200I.
Identifiers: ClinVar variation 2776439 (VCV002776439.3), dbSNP rs756209410, ClinGen allele CA368979280.

ClinVar aggregate classification (germline): Uncertain significance (1 of 4 stars; one submission).

Conditions:
Renal cell carcinoma. Identifiers: Orphanet 217071, MedGen C0007134, MeSH D002292, MONDO:0005086, HP:0005584.

Submission:

Labcorp Genetics (formerly Invitae), Labcorp
Classification: Uncertain significance for Renal cell carcinoma. Last evaluated: 2023-09-27. Review status: criteria provided, single submitter. Criteria: Invitae Variant Classification Sherloc (09022015). Collection method: clinical testing. Allele origin: germline.
Comment: In summary, the available evidence is currently insufficient to determine the role of this variant in disease. Therefore, it has been classified as a Variant of Uncertain Significance. Algorithms developed to predict the effect of missense changes on protein structure and function output the following: SIFT: "Not Available"; PolyPhen-2: "Benign"; Align-GVGD: "Not Available". The isoleucine amino acid residue is found in multiple mammalian species, which suggests that this missense change does not adversely affect protein function. This variant has not been reported in the literature in individuals affected with MET-related conditions. This variant is not present in population databases (gnomAD no frequency). This sequence change replaces methionine, which is neutral and non-polar, with isoleucine, which is neutral and non-polar, at codon 630 of the MET protein (p.Met630Ile).